The following is an entry in ClinVar:

NM_018026.4(PACS1):c.1953C>T (p.Ser651=)

Gene: PACS1 (phosphofurin acidic cluster sorting protein 1; plus strand). Cytogenetic location: 11q13.2.
Variant type: single nucleotide variant.
Coding change: c.1953C>T on transcript NM_018026.4 (MANE Select); coding-DNA position 1953, C replaced by T.
Protein change: p.Ser651=; no amino-acid change (serine 651 retained).
Molecular consequence: synonymous variant.
Genome position (GRCh38, 1-based): chr11:66,233,899, C>T. VCF-style: chr11-66233899-C-T. GRCh37 (hg19) VCF-style: chr11-66001370-C-T.
Identifiers: ClinVar variation 473408 (VCV000473408.33), dbSNP rs115328615, ClinGen allele CA6116713.

ClinVar aggregate classification (germline): Likely benign. Review status: criteria provided, multiple submitters, no conflicts (2 of 4 stars). 4 submissions from 4 submitters: Likely benign (4). Last evaluated 2024-09-30.

Conditions:
Schuurs-Hoeijmakers syndrome. Also called: PACS1-Related Neurodevelopmental Disorder. Identifiers: Orphanet 329224, MedGen C3554343, MONDO:0014006, OMIM 615009.

Allele frequency attached by ClinVar (database versions not stated): ExAC 0.00003; gnomAD exomes 0.00003; TOPMed 0.00005; gnomAD 0.00006 and 0.00007; ESP Exome Variant Server 0.00008.
gnomAD v4.1: 186 of 1,594,690 alleles (0.012%); highest among the groups gnomAD compares: Non-Finnish European, 0.015%; no homozygotes.

Submissions (4):

Labcorp Genetics (formerly Invitae), Labcorp
Classification: Likely benign for Schuurs-Hoeijmakers syndrome. Last evaluated: 2024-09-30. Review status: criteria provided, single submitter. Criteria: Invitae Variant Classification Sherloc (09022015). Collection method: clinical testing. Allele origin: germline.

CeGaT Center for Human Genetics Tuebingen
Classification: Likely benign. Last evaluated: 2024-02-01. Review status: criteria provided, single submitter. Criteria: CeGaT Center For Human Genetics Tuebingen Variant Classification Criteria Version 2. Collection method: clinical testing. Allele origin: germline. Affected: yes. Observed: 1 variant allele.
Comment: PACS1: BP4, BP7

Blueprint Genetics
Classification: Likely benign. Last evaluated: 2023-12-28. Review status: criteria provided, single submitter. Criteria: ACMG Guidelines, 2015. Collection method: clinical testing. Allele origin: germline.

Breakthrough Genomics
Classification: Likely benign. Review status: criteria provided, single submitter. Criteria: ACMG Guidelines, 2015. Collection method: not provided. Allele origin: germline. Inheritance: Autosomal dominant inheritance. Affected: yes.